The following is an entry in ClinVar:

NM_004977.3(KCNC3):c.2196C>T (p.Pro732=)

Gene: KCNC3 (potassium voltage-gated channel subfamily C member 3; minus strand). Cytogenetic location: 19q13.33.
Variant type: single nucleotide variant.
Coding change: c.2196C>T on transcript NM_004977.3 (MANE Select); coding-DNA position 2196, C replaced by T.
Protein change: p.Pro732=; no amino-acid change (proline 732 retained).
Molecular consequence: synonymous variant.
Genome position (GRCh38, 1-based): chr19:50,320,324, G>A on the plus strand (C>T on the coding strand, the complement: KCNC3 is on the minus strand). VCF-style: chr19-50320324-G-A. GRCh37 (hg19) VCF-style: chr19-50823581-G-A.
Other names: c.1968C>T, p.Pro656= (NM_001372305.1).
Identifiers: ClinVar variation 2650318 (VCV002650318.25), dbSNP rs375488867, ClinGen allele CA9594063.
Genomic context (GRCh38, chr19:50,320,324, plus strand): 5'-CGCGGCGTTGGCGTTGAGGTCGGGCAAGAAGCTTGGGGGGCCTGGCTTACGCCAGTCTTG[G>A]GGGGGCAGTGGGGGAGCACCAGTGGCTGGGGGTGGGGGAAGAGGCCAGAGAGTTGGGGGG-3'
Protein context (NP_004968.2, residues 722-742): RKATGAPPLP[Pro732=]QDWRKPGPPS

ClinVar aggregate classification (germline): Likely benign. Review status: criteria provided, multiple submitters, no conflicts (2 of 4 stars). 2 submissions from 2 submitters: Likely benign (2). Last evaluated 2026-09-01.

Allele frequency attached by ClinVar (database versions not stated): ESP Exome Variant Server 0.00161; TOPMed 0.00394; 1000 Genomes Project 30x 0.00422; 1000 Genomes Project 0.00479.
gnomAD v4.1: 614 of 433,202 alleles (0.14%); highest among the groups gnomAD compares: African/African-American, 1.2%; 3 homozygotes.

Submissions (2):

CeGaT Center for Human Genetics Tuebingen
Classification: Likely benign. Last evaluated: 2026-09-01. Review status: criteria provided, single submitter. Criteria: CeGaT Center For Human Genetics Tuebingen Variant Classification Criteria Version 2. Collection method: clinical testing. Allele origin: germline. Affected: yes. Observed: 2 variant alleles.
Comment: KCNC3: BP4, BP7, BS1

Blueprint Genetics
Classification: Likely benign. Last evaluated: 2024-07-18. Review status: criteria provided, single submitter. Criteria: ACMG Guidelines, 2015. Collection method: clinical testing. Allele origin: germline.